The following is an entry in ClinVar:

ClinVar aggregate classification (germline): Likely benign. Review status: criteria provided, single submitter (1 of 4 stars). 2 submissions from 2 submitters: Likely benign (1). 1 of the submissions does not count toward it. Last evaluated 2025-07-04.

Conditions:
NXN-related disorder. Also called: NXN-related condition.

Allele frequency attached by ClinVar (database versions not stated): 1000 Genomes Project 0.00020; gnomAD exomes 0.00001; gnomAD 0.00003; TOPMed 0.00003; ExAC 0.00007; 1000 Genomes Project 30x 0.00016.
gnomAD v4.1: 26 of 1,576,708 alleles (0.0016%); highest among the groups gnomAD compares: Admixed American, 0.014%; no homozygotes.

Submissions (2):

Labcorp Genetics (formerly Invitae), Labcorp
Classification: Likely benign. Last evaluated: 2025-07-04. Review status: criteria provided, single submitter. Criteria: Invitae Variant Classification Sherloc (09022015). Collection method: clinical testing. Allele origin: germline.

PreventionGenetics, part of Exact Sciences
Classification: Likely benign for NXN-related condition. Last evaluated: 2019-06-10. Review status: no assertion criteria provided. Collection method: clinical testing. Allele origin: germline. Not counted in ClinVar's aggregate classification.
Comment: This variant is classified as likely benign based on ACMG/AMP sequence variant interpretation guidelines (Richards et al. 2015 PMID: 25741868, with internal and published modifications).

NM_022463.5(NXN):c.1218C>T (p.Tyr406=)

Gene: NXN (nucleoredoxin; minus strand). Cytogenetic location: 17p13.3.
Variant type: single nucleotide variant.
Coding change: c.1218C>T on transcript NM_022463.5 (MANE Select); coding-DNA position 1218, C replaced by T.
Protein change: p.Tyr406=; no amino-acid change (tyrosine 406 retained).
Molecular consequence: synonymous variant.
Genome position (GRCh38, 1-based): chr17:801,039, G>A on the plus strand (C>T on the coding strand, the complement: NXN is on the minus strand). VCF-style: chr17-801039-G-A. GRCh37 (hg19) VCF-style: chr17-704279-G-A.
Other names: c.894C>T, p.Tyr298= (NM_001205319.1); c.1218C>T (NM_022463.4).
Identifiers: ClinVar variation 2991603 (VCV002991603.5), dbSNP rs532098882, ClinGen allele CA8263915.